The following is an entry in ClinVar:

NM_001142800.2(EYS):c.-350G>T

Gene: EYS (eyes shut homolog; minus strand). Cytogenetic location: 6q12.
Variant type: single nucleotide variant.
Coding change: c.-350G>T on transcript NM_001142800.2 (MANE Select); 350 bases upstream of the start codon, G replaced by T.
Molecular consequence: 5 prime UTR variant.
Genome position (GRCh38, 1-based): chr6:65,639,795, C>A on the plus strand (G>T on the coding strand, the complement: EYS is on the minus strand). VCF-style: chr6-65639795-C-A. GRCh37 (hg19) VCF-style: chr6-66349688-C-A.
Other names: c.-350G>T (NM_001142801.2, NM_001292009.2).
Identifiers: ClinVar variation 991155 (VCV000991155.4), dbSNP rs886061687, ClinGen allele CA140452325.
Genomic context (GRCh38, chr6:65,639,795, plus strand): 5'-AAAAACACAGAACCTGTTTTTTCCTCAGGACTCTTATCCTTACCTCAAGTACACAGGTTC[C>A]GTTGCTGTTTGAGATCAGTGTTTTATTTGCTAAATAAATATGGAGCAGAGGATCCAGACT-3'

ClinVar aggregate classification (germline): Uncertain significance. Review status: criteria provided, single submitter (1 of 4 stars). 2 submissions from 2 submitters: Uncertain significance (1). 1 of the submissions does not count toward it. Last evaluated 2022-10-13.

Conditions:
Autosomal recessive retinitis pigmentosa. Identifiers: MedGen C0339526.

Allele frequency attached by ClinVar (database versions not stated): TOPMed 0.00010.

Submissions (2):

Labcorp Genetics (formerly Invitae), Labcorp
Classification: Uncertain significance. Last evaluated: 2022-10-13. Review status: criteria provided, single submitter. Criteria: Invitae Variant Classification Sherloc (09022015). Collection method: clinical testing. Allele origin: germline.
Comment: This variant occurs in a non-coding region of the EYS gene. It does not change the encoded amino acid sequence of the EYS protein. This variant is present in population databases (no rsID available, gnomAD 0.01%). This variant has not been reported in the literature in individuals affected with EYS-related conditions. ClinVar contains an entry for this variant (Variation ID: 991155). Experimental studies and prediction algorithms are not available or were not evaluated, and the functional significance of this variant is currently unknown. In summary, the available evidence is currently insufficient to determine the role of this variant in disease. Therefore, it has been classified as a Variant of Uncertain Significance.

Natera, Inc.
Classification: Uncertain significance for Autosomal recessive retinitis pigmentosa. Last evaluated: 2020-08-05. Review status: no assertion criteria provided. Collection method: clinical testing. Allele origin: germline. Not counted in ClinVar's aggregate classification.